The following is an entry in ClinVar:

ClinVar aggregate classification (germline): Conflicting classifications of pathogenicity. Review status: criteria provided, conflicting classifications (1 of 4 stars). 4 submissions from 4 submitters: Uncertain significance (2); Likely benign (1). 1 of the submissions does not count toward it. Last evaluated 2025-10-08.

Conditions:
ANKRD26-related disorder. Also called: ANKRD26-related condition.
Inborn genetic diseases. Identifiers: MedGen C0950123, MeSH D030342.
Thrombocytopenia 2 (THC2). Also called: ANKRD26-Related Thrombocytopenia. Identifiers: Orphanet 268322, MedGen C1861185, MONDO:0008555, OMIM 188000.

Allele frequency attached by ClinVar (database versions not stated): gnomAD 0.00002; ExAC 0.00003; 1000 Genomes Project 30x 0.00016; 1000 Genomes Project 0.00020.
gnomAD v4.1: 100 of 1,574,330 alleles (0.0064%); highest among the groups gnomAD compares: East Asian, 0.22%; 1 homozygote.

Submissions (4):

Labcorp Genetics (formerly Invitae), Labcorp
Classification: Uncertain significance. Last evaluated: 2025-10-08. Review status: criteria provided, single submitter. Criteria: Invitae Variant Classification Sherloc (09022015). Collection method: clinical testing. Allele origin: germline.
Comment: This sequence change replaces aspartic acid, which is acidic and polar, with glycine, which is neutral and non-polar, at codon 455 of the ANKRD26 protein (p.Asp455Gly). This variant is present in population databases (rs199857139, gnomAD 0.02%). This variant has not been reported in the literature in individuals affected with ANKRD26-related conditions. ClinVar contains an entry for this variant (Variation ID: 878895). An algorithm developed to predict the effect of missense changes on protein structure and function outputs the following: PolyPhen-2: "Benign". The glycine amino acid residue is found in multiple mammalian species, which suggests that this missense change does not adversely affect protein function. In summary, the available evidence is currently insufficient to determine the role of this variant in disease. Therefore, it has been classified as a Variant of Uncertain Significance.

Ambry Genetics
Classification: Uncertain significance for Inborn genetic diseases. Last evaluated: 2024-12-07. Review status: criteria provided, single submitter. Criteria: Ambry Variant Classification Scheme 2023. Collection method: clinical testing. Allele origin: germline.
Comment: The p.D455G variant (also known as c.1364A>G) is located in coding exon 13 of the ANKRD26 gene. The aspartic acid at codon 455 is replaced by glycine, an amino acid with similar properties. This change occurs in the first base pair of coding exon 13. This amino acid position is conserved. In addition, this alteration is predicted to be tolerated by in silico analysis. Based on the available evidence, the clinical significance of this variant remains unclear.

Illumina Laboratory Services, Illumina
Classification: Likely benign for Thrombocytopenia 2. Last evaluated: 2018-01-13. Review status: criteria provided, single submitter. Criteria: ICSL Variant Classification Criteria 13 December 2019. Collection method: clinical testing. Allele origin: germline.
Comment: This variant was observed in the ICSL laboratory as part of a predisposition screen in an ostensibly healthy population. It had not been previously curated by ICSL or reported in the Human Gene Mutation Database (HGMD: prior to June 1st, 2018), and was therefore a candidate for classification through an automated scoring system. Utilizing variant allele frequency, disease prevalence and penetrance estimates, and inheritance mode, an automated score was calculated to assess if this variant is too frequent to cause the disease. Based on the score and internal cut-off values, a variant classified as likely benign is not then subjected to further curation. The score for this variant resulted in a classification of likely benign for this disease.

PreventionGenetics, part of Exact Sciences
Classification: Likely benign for ANKRD26-related condition. Last evaluated: 2024-02-15. Review status: no assertion criteria provided. Collection method: clinical testing. Allele origin: germline. Not counted in ClinVar's aggregate classification.
Comment: This variant is classified as likely benign based on ACMG/AMP sequence variant interpretation guidelines (Richards et al. 2015 PMID: 25741868, with internal and published modifications).

NM_014915.3(ANKRD26):c.1364A>G (p.Asp455Gly)

Gene: ANKRD26 (ankyrin repeat domain 26; minus strand). Cytogenetic location: 10p12.1.
Variant type: single nucleotide variant.
Coding change: c.1364A>G on transcript NM_014915.3 (MANE Select); coding-DNA position 1364, A replaced by G.
Protein change: p.Asp455Gly; replaces aspartic acid 455 with glycine.
Molecular consequence: missense variant.
Genome position (GRCh38, 1-based): chr10:27,061,242, T>C on the plus strand (A>G on the coding strand, the complement: ANKRD26 is on the minus strand). VCF-style: chr10-27061242-T-C. GRCh37 (hg19) VCF-style: chr10-27350171-T-C.
Other names: c.1364A>G, p.Asp455Gly (NM_001256053.2); short protein forms D455G.
Identifiers: ClinVar variation 878895 (VCV000878895.10), dbSNP rs199857139, ClinGen allele CA5448569.